The following is an entry in ClinVar:

ClinVar aggregate classification (germline): Likely pathogenic (1 of 4 stars; one submission).

Conditions:
Joubert syndrome 33. Identifiers: MedGen C4540389, MONDO:0033311, OMIM 617767.

Submission:

3billion
Classification: Likely pathogenic for Joubert syndrome 33. Last evaluated: 2022-05-22. Review status: criteria provided, single submitter. Criteria: ACMG Guidelines, 2015. Collection method: clinical testing. Allele origin: germline. Affected: yes. Observed: 1 heterozygote.
Comment: The variant is not observed in the gnomAD v2.1.1 dataset. Frameshift: predicted to result in a loss or disruption of normal protein function through nonsense-mediated decay (NMD) or protein truncation. Multiple pathogenic variants are reported downstream of the variant. Therefore, this variant is classified as likely pathogenic according to the recommendation of ACMG/AMP guideline.

NM_006346.4(PIBF1):c.597_598insAAGAAAGGAATCCATTAAGAAAG (p.Glu200delinsLysLysGlyIleHisTer)

Gene: PIBF1 (progesterone immunomodulatory binding factor 1; plus strand). Cytogenetic location: 13q21.33.
Variant type: Insertion.
Coding change: c.597_598insAAGAAAGGAATCCATTAAGAAAG on transcript NM_006346.4 (MANE Select); coding-DNA positions 597 to 598, AAGAAAGGAATCCATTAAGAAAG inserted.
Protein change: p.Glu200delinsLysLysGlyIleHisTer.
Molecular consequence: nonsense. On other transcripts: non-coding transcript variant (2).
Genome position: GRCh38 VCF-style: chr13-72797951-T-TAAGAAAGGAATCCATTAAGAAAG. GRCh37 (hg19) VCF-style: chr13-73372089-T-TAAGAAAGGAATCCATTAAGAAAG.
Other names: c.597_598insAAGAAAGGAATCCATTAAGAAAG, p.Glu200delinsLysLysGlyIleHisTer (NM_001349655.2).
Identifiers: ClinVar variation 1687224 (VCV001687224.1), dbSNP rs2137980593, ClinGen allele CA2573149672.
Genomic context (GRCh38, chr13:72,797,951, plus strand): 5'-TTTAATTTTTTTCAAGGTTCGCTTCTATGAGCTAGTGAATCCATTAAGAAAGGAAATCTG[T>TAAGAAAGGAATCCATTAAGAAAG]GAACTACAAGTGAAAAAGAATATCCTAGCAGAAGAATTAAGTACAAACAAAAACCAACTG-3'